The following is an entry in ClinVar:

NM_031407.7(HUWE1):c.12400A>C (p.Lys4134Gln)

Gene: HUWE1 (HECT, UBA and WWE domain containing E3 ubiquitin protein ligase 1; minus strand). Cytogenetic location: Xp11.22.
Variant type: single nucleotide variant.
Coding change: c.12400A>C on transcript NM_031407.7 (MANE Select); coding-DNA position 12400, A replaced by C.
Protein change: p.Lys4134Gln; replaces lysine 4134 with glutamine.
Molecular consequence: missense variant.
Genome position (GRCh38, 1-based): chrX:53,536,405, T>G on the plus strand (A>C on the coding strand, the complement: HUWE1 is on the minus strand). VCF-style: chrX-53536405-T-G. GRCh37 (hg19) VCF-style: chrX-53563366-T-G.
Other names: short protein forms K4134Q.
Identifiers: ClinVar variation 1313037 (VCV001313037.2), dbSNP rs2146878203, ClinGen allele CA413150153.

ClinVar aggregate classification (germline): Uncertain significance (1 of 4 stars; one submission).

Submission:

GeneDx
Classification: Uncertain significance. Last evaluated: 2020-07-13. Review status: criteria provided, single submitter. Criteria: GeneDx Variant Classification Process June 2021. Collection method: clinical testing. Allele origin: germline. Affected: yes.
Comment: Not observed in large population cohorts (Lek et al., 2016); In silico analysis supports that this missense variant has a deleterious effect on protein structure/function; Has not been previously published as pathogenic or benign to our knowledge